The following is an entry in ClinVar:

ClinVar aggregate classification (germline): Uncertain significance (1 of 4 stars; one submission).

Allele frequency attached by ClinVar (database versions not stated): gnomAD exomes below 0.00001.
gnomAD v4.1: 1 of 1,614,130 alleles (0.000062%); highest among the groups gnomAD compares: South Asian, 0.0011%; no homozygotes.

Submission:

Labcorp Genetics (formerly Invitae), Labcorp
Classification: Uncertain significance. Last evaluated: 2022-06-11. Review status: criteria provided, single submitter. Criteria: Invitae Variant Classification Sherloc (09022015). Collection method: clinical testing. Allele origin: germline.
Comment: This sequence change replaces isoleucine, which is neutral and non-polar, with threonine, which is neutral and polar, at codon 4090 of the HMCN1 protein (p.Ile4090Thr). In summary, the available evidence is currently insufficient to determine the role of this variant in disease. Therefore, it has been classified as a Variant of Uncertain Significance. Algorithms developed to predict the effect of missense changes on protein structure and function output the following: SIFT: "Tolerated"; PolyPhen-2: "Benign"; Align-GVGD: "Class C0". The threonine amino acid residue is found in multiple mammalian species, which suggests that this missense change does not adversely affect protein function. This variant has not been reported in the literature in individuals affected with HMCN1-related conditions. This variant is not present in population databases (gnomAD no frequency).

NM_031935.3(HMCN1):c.12269T>C (p.Ile4090Thr)

Gene: HMCN1 (hemicentin 1; plus strand). Cytogenetic location: 1q31.1.
Variant type: single nucleotide variant.
Coding change: c.12269T>C on transcript NM_031935.3 (MANE Select); coding-DNA position 12269, T replaced by C.
Protein change: p.Ile4090Thr; replaces isoleucine 4090 with threonine.
Molecular consequence: missense variant.
Genome position (GRCh38, 1-based): chr1:186,122,990, T>C. VCF-style: chr1-186122990-T-C. GRCh37 (hg19) VCF-style: chr1-186092122-T-C.
Other names: short protein forms I4090T.
Identifiers: ClinVar variation 2004930 (VCV002004930.4), dbSNP rs2528039010, ClinGen allele CA343902911.
Genomic context (GRCh38, chr1:186,122,990, plus strand): 5'-TATATTTTTTGTATATTTTAGTTCCTCCAGTCATTAGCCCTCATCTAAAGGAATATGTTA[T>C]TGCTGTGGACAAGCCCATCACGTTATCCTGTGAAGCAGATGGCCTCCCTCCGCCTGACAT-3'
Protein context (NP_114141.2, residues 4080-4100): VISPHLKEYV[Ile4090Thr]AVDKPITLSC